The following is an entry in ClinVar:

ClinVar aggregate classification (germline): Likely benign (1 of 4 stars; one submission).

Conditions:
Cleft lip/palate-ectodermal dysplasia syndrome (CLPED1). Also called: Zlotogora syndrome; ECTODERMAL DYSPLASIA, CLEFT LIP AND PALATE, MENTAL RETARDATION, AND SYNDACTYLY; ECTODERMAL DYSPLASIA, MARGARITA ISLAND TYPE; ECTODERMAL DYSPLASIA, TYPE 4; ZLOTOGORA-OGUR SYNDROME. Identifiers: Orphanet 3253, MedGen C2931488, MONDO:0009151, OMIM 225060.

Allele frequency attached by ClinVar (database versions not stated): gnomAD exomes 0.00174; gnomAD 0.01945 and 0.01978; TOPMed 0.02153; 1000 Genomes Project 30x 0.03529; 1000 Genomes Project 0.03614.
gnomAD v4.1: 4,515 of 984,552 alleles (0.46%); highest among the groups gnomAD compares: African/African-American, 6.2%; 124 homozygotes.

Submission:

Illumina Laboratory Services, Illumina
Classification: Likely benign for Cleft lip/palate-ectodermal dysplasia syndrome. Last evaluated: 2018-01-13. Review status: criteria provided, single submitter. Criteria: ICSL Variant Classification Criteria 13 December 2019. Collection method: clinical testing. Allele origin: germline.
Comment: This variant was observed in the ICSL laboratory as part of a predisposition screen in an ostensibly healthy population. It had not been previously curated by ICSL or reported in the Human Gene Mutation Database (HGMD: prior to June 1st, 2018), and was therefore a candidate for classification through an automated scoring system. Utilizing variant allele frequency, disease prevalence and penetrance estimates, and inheritance mode, an automated score was calculated to assess if this variant is too frequent to cause the disease. Based on the score and internal cut-off values, a variant classified as likely benign is not then subjected to further curation. The score for this variant resulted in a classification of likely benign for this disease.

NM_002855.5(NECTIN1):c.*2702T>C

Gene: NECTIN1 (nectin cell adhesion molecule 1; minus strand). Cytogenetic location: 11q23.3.
Variant type: single nucleotide variant.
Coding change: c.*2702T>C on transcript NM_002855.5 (MANE Select); 2702 bases downstream of the stop codon, T replaced by C.
Molecular consequence: 3 prime UTR variant. On other transcripts: intron variant (1).
Genome position (GRCh38, 1-based): chr11:119,662,045, A>G on the plus strand (T>C on the coding strand, the complement: NECTIN1 is on the minus strand). VCF-style: chr11-119662045-A-G. GRCh37 (hg19) VCF-style: chr11-119532755-A-G.
Other names: c.1003+13114T>C (NM_203285.2).
Identifiers: ClinVar variation 877303 (VCV000877303.5), dbSNP rs59997117, ClinGen allele CA229719455.